The following is an entry in ClinVar:

NM_000256.3(MYBPC3):c.2738-7C>A

Gene: MYBPC3 (myosin binding protein C3; minus strand). Cytogenetic location: 11p11.2.
Variant type: single nucleotide variant.
Coding change: c.2738-7C>A on transcript NM_000256.3 (MANE Select); 7 bases into the intron before coding-DNA position 2738, C replaced by A.
Molecular consequence: intron variant.
Genome position (GRCh38, 1-based): chr11:47,335,216, G>T on the plus strand (C>A on the coding strand, the complement: MYBPC3 is on the minus strand). VCF-style: chr11-47335216-G-T. GRCh37 (hg19) VCF-style: chr11-47356767-G-T.
Identifiers: ClinVar variation 1037078 (VCV001037078.11), dbSNP rs1224814897, ClinGen allele CA1969337247.

ClinVar aggregate classification (germline): Conflicting classifications of pathogenicity. Review status: criteria provided, conflicting classifications (1 of 4 stars). 3 submissions from 3 submitters: Uncertain significance (2); Likely benign (1). Last evaluated 2024-02-17.

Conditions:
Cardiomyopathy (CMYO). Also called: Cardiomyopathies. Identifiers: Orphanet 167848, MedGen C0878544, MONDO:0004994, HP:0001638. Inheritance: Various modes of inheritance.
Hypertrophic cardiomyopathy. Also called: HYPERTROPHIC MYOCARDIOPATHY. Identifiers: Orphanet 217569, MedGen C0007194, MeSH D002312, MONDO:0005045, HP:0001639.

Submissions (3):

Labcorp Genetics (formerly Invitae), Labcorp
Classification: Likely benign for Hypertrophic cardiomyopathy. Last evaluated: 2024-02-17. Review status: criteria provided, single submitter. Criteria: Invitae Variant Classification Sherloc (09022015). Collection method: clinical testing. Allele origin: germline.

All of Us Research Program, National Institutes of Health
Classification: Uncertain significance for Hypertrophic cardiomyopathy. Last evaluated: 2023-04-10. Review status: criteria provided, single submitter. Criteria: ACMG Guidelines, 2015. Collection method: clinical testing. Allele origin: germline. Inheritance: Autosomal dominant inheritance. Observed: 1 variant allele, 1 heterozygote.
Comment: This variant causes a C to A nucleotide substitution at the -7 position of intron 26 of the MYBPC3 gene. Splice site prediction tools are inconclusive regarding the impact of this variant on RNA splicing. To our knowledge, functional studies have not been reported for this variant. This variant has not been reported in individuals affected with MYBPC3-related disorders in the literature. This variant has not been identified in the general population by the Genome Aggregation Database (gnomAD). The available evidence is insufficient to determine the role of this variant in disease conclusively. Therefore, this variant is classified as a Variant of Uncertain Significance.

This study involves interpretation of variants in research participants for the purpose of population health screening. Participant phenotype was not available at the time of variant classification. Additional details can be found in publication PMID: 35346344, PMCID: PMC8962531

Color Diagnostics, LLC DBA Color Health
Classification: Uncertain significance for Cardiomyopathy. Last evaluated: 2022-11-10. Review status: criteria provided, single submitter. Criteria: ACMG Guidelines, 2015. Collection method: clinical testing. Allele origin: germline.
Comment: This variant causes a C to A nucleotide substitution at the -7 position of intron 26 of the MYBPC3 gene. Splice site prediction tools are inconclusive regarding the impact of this variant on RNA splicing. To our knowledge, functional studies have not been reported for this variant. This variant has not been reported in individuals affected with MYBPC3-related disorders in the literature. This variant has not been identified in the general population by the Genome Aggregation Database (gnomAD). The available evidence is insufficient to determine the role of this variant in disease conclusively. Therefore, this variant is classified as a Variant of Uncertain Significance.